The following is an entry in ClinVar:

NM_033380.3(COL4A5):c.1520C>A (p.Ser507Tyr)

Gene: COL4A5 (collagen type IV alpha 5 chain; plus strand). Cytogenetic location: Xq22.3.
Variant type: single nucleotide variant.
Coding change: c.1520C>A on transcript NM_033380.3 (MANE Select); coding-DNA position 1520, C replaced by A.
Protein change: p.Ser507Tyr; replaces serine 507 with tyrosine.
Molecular consequence: missense variant.
Genome position (GRCh38, 1-based): chrX:108,597,001, C>A. VCF-style: chrX-108597001-C-A. GRCh37 (hg19) VCF-style: chrX-107840231-C-A.
Other names: c.1520C>A, p.Ser507Tyr (NM_000495.5); short protein forms S507Y.
Identifiers: ClinVar variation 427902 (VCV000427902.4), dbSNP rs1114167369, ClinGen allele CA413845046.

ClinVar aggregate classification (germline): Uncertain significance. Review status: criteria provided, single submitter (1 of 4 stars). 2 submissions from 2 submitters: Uncertain significance (1). 1 of the submissions does not count toward it. Last evaluated 2022-02-18.

Conditions:
X-linked Alport syndrome (ATS1). Also called: NEPHROPATHY AND DEAFNESS, X-LINKED; COL4A5-Related Nephropathy. Identifiers: Orphanet 63, Orphanet 88917, MedGen C4746986, MONDO:0010520, OMIM 301050.

Submissions (2):

Labcorp Genetics (formerly Invitae), Labcorp
Classification: Uncertain significance. Last evaluated: 2022-02-18. Review status: criteria provided, single submitter. Criteria: Invitae Variant Classification Sherloc (09022015). Collection method: clinical testing. Allele origin: germline.
Comment: This sequence change replaces serine, which is neutral and polar, with tyrosine, which is neutral and polar, at codon 507 of the COL4A5 protein (p.Ser507Tyr). This variant is not present in population databases (gnomAD no frequency). This variant has not been reported in the literature in individuals affected with COL4A5-related conditions. ClinVar contains an entry for this variant (Variation ID: 427902). Advanced modeling of protein sequence and biophysical properties (such as structural, functional, and spatial information, amino acid conservation, physicochemical variation, residue mobility, and thermodynamic stability) performed at Invitae indicates that this missense variant is not expected to disrupt COL4A5 protein function. In summary, the available evidence is currently insufficient to determine the role of this variant in disease. Therefore, it has been classified as a Variant of Uncertain Significance.

Institute of Human Genetics, Cologne University
Classification: Uncertain significance for X-linked Alport syndrome. Review status: no assertion criteria provided. Collection method: clinical testing. Allele origin: unknown. Inheritance: X-linked dominant inheritance. Affected: yes. Not counted in ClinVar's aggregate classification.